The following is an entry in ClinVar:

NM_032888.4(COL27A1):c.673G>A (p.Ala225Thr)

Gene: COL27A1 (collagen type XXVII alpha 1 chain; plus strand). Cytogenetic location: 9q32.
Variant type: single nucleotide variant.
Coding change: c.673G>A on transcript NM_032888.4 (MANE Select); coding-DNA position 673, G replaced by A.
Protein change: p.Ala225Thr; replaces alanine 225 with threonine.
Molecular consequence: missense variant.
Genome position (GRCh38, 1-based): chr9:114,168,228, G>A. VCF-style: chr9-114168228-G-A. GRCh37 (hg19) VCF-style: chr9-116930508-G-A.
Other names: c.673G>A (NM_032888.2); short protein forms A225T.
Identifiers: ClinVar variation 2158959 (VCV002158959.4), dbSNP rs771709770, ClinGen allele CA5201205.

ClinVar aggregate classification (germline): Uncertain significance. Review status: criteria provided, multiple submitters, no conflicts (2 of 4 stars). 2 submissions from 2 submitters: Uncertain significance (2). Last evaluated 2025-02-10.

Conditions:
Inborn genetic diseases. Identifiers: MedGen C0950123, MeSH D030342.

Allele frequency attached by ClinVar (database versions not stated): ExAC 0.00002; gnomAD exomes 0.00003; gnomAD 0.00004; TOPMed 0.00005.
gnomAD v4.1: 56 of 1,613,832 alleles (0.0035%); highest among the groups gnomAD compares: Middle Eastern, 0.099%; 1 homozygote.

Submissions (2):

Labcorp Genetics (formerly Invitae), Labcorp
Classification: Uncertain significance. Last evaluated: 2025-02-10. Review status: criteria provided, single submitter. Criteria: Invitae Variant Classification Sherloc (09022015). Collection method: clinical testing. Allele origin: germline.
Comment: This sequence change replaces alanine, which is neutral and non-polar, with threonine, which is neutral and polar, at codon 225 of the COL27A1 protein (p.Ala225Thr). This variant is present in population databases (rs771709770, gnomAD 0.008%). This variant has not been reported in the literature in individuals affected with COL27A1-related conditions. ClinVar contains an entry for this variant (Variation ID: 2158959). Invitae Evidence Modeling of protein sequence and biophysical properties (such as structural, functional, and spatial information, amino acid conservation, physicochemical variation, residue mobility, and thermodynamic stability) indicates that this missense variant is not expected to disrupt COL27A1 protein function with a negative predictive value of 95%. In summary, the available evidence is currently insufficient to determine the role of this variant in disease. Therefore, it has been classified as a Variant of Uncertain Significance.

Ambry Genetics
Classification: Uncertain significance for Inborn genetic diseases. Last evaluated: 2023-02-28. Review status: criteria provided, single submitter. Criteria: Ambry Variant Classification Scheme 2023. Collection method: clinical testing. Allele origin: germline.